The following is an entry in ClinVar:

ClinVar aggregate classification (germline): Conflicting classifications of pathogenicity. Review status: criteria provided, conflicting classifications (1 of 4 stars). 3 submissions from 3 submitters: Uncertain significance (2); Likely benign (1). Last evaluated 2024-08-14.

Conditions:
Hereditary cancer-predisposing syndrome. Also called: Neoplastic Syndromes, Hereditary; Tumor predisposition; Hereditary Cancer Syndrome; Hereditary neoplastic syndrome. Identifiers: Orphanet 140162, MedGen C0027672, MeSH D009386, MONDO:0015356.
Hereditary breast ovarian cancer syndrome. Also called: Hereditary breast and ovarian cancer syndrome; Breast and ovarian cancer; Hereditary breast and/or ovarian cancer syndrome; Hereditary breast and ovarian cancer; BRCA1- and BRCA2-Associated Hereditary Breast and Ovarian Cancer; Hereditary breast and ovarian cancer syndrome (HBOC). Identifiers: Orphanet 145, MedGen C0677776, MeSH D061325, MONDO:0003582. Disease mechanism: loss of function.

Allele frequency attached by ClinVar (database versions not stated): gnomAD exomes below 0.00001.
gnomAD v4.1: 1 of 1,603,828 alleles (0.000062%); highest among the groups gnomAD compares: Admixed American, 0.0017%; no homozygotes.

Submissions (3):

Labcorp Genetics (formerly Invitae), Labcorp
Classification: Uncertain significance for Hereditary breast ovarian cancer syndrome. Last evaluated: 2024-08-14. Review status: criteria provided, single submitter. Criteria: Invitae Variant Classification Sherloc (09022015). Collection method: clinical testing. Allele origin: germline.
Comment: This sequence change replaces serine, which is neutral and polar, with phenylalanine, which is neutral and non-polar, at codon 1261 of the BRCA2 protein (p.Ser1261Phe). This variant is not present in population databases (gnomAD no frequency). This variant has not been reported in the literature in individuals affected with BRCA2-related conditions. ClinVar contains an entry for this variant (Variation ID: 1734860). Invitae Evidence Modeling of protein sequence and biophysical properties (such as structural, functional, and spatial information, amino acid conservation, physicochemical variation, residue mobility, and thermodynamic stability) indicates that this missense variant is not expected to disrupt BRCA2 protein function with a negative predictive value of 95%. In summary, the available evidence is currently insufficient to determine the role of this variant in disease. Therefore, it has been classified as a Variant of Uncertain Significance.

University of Washington Department of Laboratory Medicine, University of Washington
Classification: Likely benign for Hereditary cancer-predisposing syndrome. Last evaluated: 2023-03-23. Review status: criteria provided, single submitter. Criteria: Dines et al. (Genet Med. 2020). Collection method: curation. Allele origin: germline.
Comment: Missense variant in a coldspot region where missense variants are very unlikely to be pathogenic (PMID:31911673).

BRCA2 exon 11 coldspot. Reclassification based on statistical prior probability.

Ambry Genetics
Classification: Uncertain significance for Hereditary cancer-predisposing syndrome. Last evaluated: 2021-03-22. Review status: criteria provided, single submitter. Criteria: Ambry Variant Classification Scheme 2023. Collection method: clinical testing. Allele origin: germline.
Comment: The p.S1261F variant (also known as c.3782C>T), located in coding exon 10 of the BRCA2 gene, results from a C to T substitution at nucleotide position 3782. The serine at codon 1261 is replaced by phenylalanine, an amino acid with highly dissimilar properties. This amino acid position is not well conserved in available vertebrate species. In addition, this alteration is predicted to be tolerated by in silico analysis. Since supporting evidence is limited at this time, the clinical significance of this alteration remains unclear.

NM_000059.4(BRCA2):c.3782C>T (p.Ser1261Phe)

Gene: BRCA2 (BRCA2 DNA repair associated; plus strand). Cytogenetic location: 13q13.1.
Variant type: single nucleotide variant.
Coding change: c.3782C>T on transcript NM_000059.4 (MANE Select); coding-DNA position 3782, C replaced by T.
Protein change: p.Ser1261Phe; replaces serine 1261 with phenylalanine.
Molecular consequence: missense variant.
Genome position (GRCh38, 1-based): chr13:32,338,137, C>T. VCF-style: chr13-32338137-C-T. GRCh37 (hg19) VCF-style: chr13-32912274-C-T.
Other names: c.3782C>T, p.Ser1261Phe (NM_001406719.1, NM_001406720.1); short protein forms S1261F.
Identifiers: ClinVar variation 1734860 (VCV001734860.6), dbSNP rs276174836, ClinGen allele CA387778334.